The following is an entry in ClinVar:

ClinVar aggregate classification (germline): Likely pathogenic. Review status: criteria provided, multiple submitters, no conflicts (2 of 4 stars). 2 submissions from 2 submitters: Likely pathogenic (2). Last evaluated 2025-05-08.

Conditions:
Benign recurrent intrahepatic cholestasis type 2 (BRIC2). Also called: Recurrent familial intrahepatic cholestasis 2. Identifiers: Orphanet 65682, Orphanet 99961, MedGen C2608083, MONDO:0011559, OMIM 605479.
Progressive familial intrahepatic cholestasis type 2. Identifiers: Orphanet 79304, MedGen C3489789, MONDO:0011156, OMIM 601847.

Submissions (2):

Natera, Inc.
Classification: Likely pathogenic for Progressive familial intrahepatic cholestasis type 2. Last evaluated: 2025-05-08. Review status: criteria provided, single submitter. Criteria: Natera Variant Classification Schema (03/2026). Collection method: clinical testing. Allele origin: germline.
Comment: The c.2432del variant in ABCB11 is a frameshift variant predicted to shift the reading frame beginning at codon 811 and leads to a stop codon 17 codons downstream. This variant is expected to result in nonsense mediated decay, truncation, or a dysfunctional protein product. This variant is rare in the general population with a frequency below the threshold expected for the associated phenotype(s). Given the available evidence, this variant is classified as Likely Pathogenic.

Baylor Genetics
Classification: Likely pathogenic for Benign recurrent intrahepatic cholestasis type 2. Last evaluated: 2023-10-16. Review status: criteria provided, single submitter. Criteria: ACMG Guidelines, 2015. Collection method: clinical testing. Allele origin: unknown.

NM_003742.4(ABCB11):c.2432del (p.Phe811fs)

Gene: ABCB11 (ATP binding cassette subfamily B member 11; minus strand). Cytogenetic location: 2q31.1.
Variant type: Deletion.
Coding change: c.2432del on transcript NM_003742.4 (MANE Select); coding-DNA position 2432, one base deleted (T; older notation c.2432delT).
Protein change: p.Phe811fs; shifts the reading frame from phenylalanine 811.
Molecular consequence: frameshift variant.
Genome position (GRCh38, 1-based): chr2:168,944,873, A deleted on the plus strand (T on the coding strand, the reverse complement: ABCB11 is on the minus strand); the first of 4 consecutive A bases (chr2:168,944,873-168,944,876); deleting any one gives the same sequence. VCF-style (leftmost placement, unchanged base first): chr2-168944872-GA-G. GRCh37 (hg19) VCF-style: chr2-169801382-GA-G.
Other names: short protein forms F811fs.
Identifiers: ClinVar variation 2677893 (VCV002677893.3), dbSNP rs2545299615, ClinGen allele CA2661805140.
Genomic context (GRCh38, chr2:168,944,872, plus strand): 5'-AAGGAAAAATAACTAAATCACTTACTGAAAAATAACATTTCTTACCTGTAGAAATTGGGT[GA>G]AAAGAGATACACAGCCCATTGCTACAAAAAGTAGGCACACACCATTGATCTGTGACCTTT-3'